The following is an entry in ClinVar:

NM_001347.4(DGKQ):c.609G>C (p.Thr203=)

Gene: DGKQ (diacylglycerol kinase theta; minus strand). Cytogenetic location: 4p16.3.
Variant type: single nucleotide variant.
Coding change: c.609G>C on transcript NM_001347.4 (MANE Select); coding-DNA position 609, G replaced by C.
Protein change: p.Thr203=; no amino-acid change (threonine 203 retained).
Molecular consequence: synonymous variant.
Genome position (GRCh38, 1-based): chr4:968,336, C>G on the plus strand (G>C on the coding strand, the complement: DGKQ is on the minus strand). VCF-style: chr4-968336-C-G. GRCh37 (hg19) VCF-style: chr4-962124-C-G.
Identifiers: ClinVar variation 3045545 (VCV003045545.2), dbSNP rs190556735, ClinGen allele CA91137161.

ClinVar aggregate classification (germline): Likely benign (0 of 4 stars; one submission).

Conditions:
DGKQ-related disorder. Also called: DGKQ-related condition.

gnomAD v4.1: 62 of 1,538,328 alleles (0.004%); highest among the groups gnomAD compares: East Asian, 0.0073%; 4 homozygotes.

Submission:

PreventionGenetics, part of Exact Sciences
Classification: Likely benign for DGKQ-related condition. Last evaluated: 2019-10-28. Review status: no assertion criteria provided. Collection method: clinical testing. Allele origin: germline.
Comment: This variant is classified as likely benign based on ACMG/AMP sequence variant interpretation guidelines (Richards et al. 2015 PMID: 25741868, with internal and published modifications).